The following is an entry in ClinVar:

ClinVar aggregate classification (germline): Uncertain significance. Review status: criteria provided, multiple submitters, no conflicts (2 of 4 stars). 2 submissions from 2 submitters: Uncertain significance (2). Last evaluated 2025-11-01.

gnomAD v4.1: 1 of 1,608,626 alleles (0.000062%); highest among the groups gnomAD compares: Non-Finnish European, 0.000085%; no homozygotes.

Submissions (2):

CeGaT Center for Human Genetics Tuebingen
Classification: Uncertain significance. Last evaluated: 2025-11-01. Review status: criteria provided, single submitter. Criteria: CeGaT Center For Human Genetics Tuebingen Variant Classification Criteria Version 2. Collection method: clinical testing. Allele origin: germline. Affected: yes. Observed: 1 variant allele.
Comment: DIP2C: PM2, PVS1:Moderate

GeneDx
Classification: Uncertain significance. Last evaluated: 2025-06-17. Review status: criteria provided, single submitter. Criteria: GeneDx Variant Classification Process June 2021. Collection method: clinical testing. Allele origin: germline. Affected: yes.
Comment: Nonsense variant predicted to result in protein truncation or nonsense mediated decay in a gene for which loss of function is a known mechanism of disease; Has not been previously published as pathogenic or benign to our knowledge

NM_014974.3(DIP2C):c.1843C>T (p.Arg615Ter)

Gene: DIP2C (DIP2 acetate--CoA ligase C (putative); minus strand). Cytogenetic location: 10p15.3.
Variant type: single nucleotide variant.
Coding change: c.1843C>T on transcript NM_014974.3 (MANE Select); coding-DNA position 1843, C replaced by T.
Protein change: p.Arg615Ter; replaces arginine 615 with a stop codon.
Molecular consequence: nonsense.
Genome position (GRCh38, 1-based): chr10:384,060, G>A on the plus strand (C>T on the coding strand, the complement: DIP2C is on the minus strand). VCF-style: chr10-384060-G-A. GRCh37 (hg19) VCF-style: chr10-430000-G-A.
Other names: c.1843C>T (NM_014974.2); short protein forms R615*.
Identifiers: ClinVar variation 4535096 (VCV004535096.7).